The following is an entry in ClinVar:

NM_001009944.3(PKD1):c.10087C>T (p.Gln3363Ter)

Gene: PKD1 (polycystin 1, transient receptor potential channel interacting; minus strand). Cytogenetic location: 16p13.3.
Variant type: single nucleotide variant.
Coding change: c.10087C>T on transcript NM_001009944.3 (MANE Select); coding-DNA position 10087, C replaced by T.
Protein change: p.Gln3363Ter; replaces glutamine 3363 with a stop codon.
Molecular consequence: nonsense.
Genome position (GRCh38, 1-based): chr16:2,097,948, G>A on the plus strand (C>T on the coding strand, the complement: PKD1 is on the minus strand). VCF-style: chr16-2097948-G-A. GRCh37 (hg19) VCF-style: chr16-2147949-G-A.
Other names: c.10087C>T, p.Gln3363Ter (NM_000296.4); short protein forms Q3363*.
Identifiers: ClinVar variation 1699188 (VCV001699188.6), dbSNP rs2151729320, ClinGen allele CA394348911.

ClinVar aggregate classification (germline): Pathogenic. Review status: criteria provided, multiple submitters, no conflicts (2 of 4 stars). 3 submissions from 3 submitters: Pathogenic (3). Last evaluated 2024-03-05.

Conditions:
Polycystic kidney disease, adult type (PKD1). Also called: Polycystic Kidney Disease 1, Autosomal Dominant; Polycystic kidney disease 1; Polycystic kidney disease 1, severe; Polycystic Kidney, Autosomal Dominant; POLYCYSTIC KIDNEY DISEASE 1 WITH OR WITHOUT POLYCYSTIC LIVER DISEASE; POLYCYSTIC KIDNEY DISEASE, ADULT, TYPE I. Identifiers: MedGen C3149841, MONDO:0008263, OMIM 173900.

Submissions (3):

GeneDx
Classification: Pathogenic. Last evaluated: 2024-03-05. Review status: criteria provided, single submitter. Criteria: GeneDx Variant Classification Process June 2021. Collection method: clinical testing. Allele origin: germline. Affected: yes.
Comment: Nonsense variant predicted to result in protein truncation or nonsense mediated decay in a gene for which loss of function is a known mechanism of disease; Not observed at significant frequency in large population cohorts (gnomAD); This variant is associated with the following publications: (PMID: 30989420, 22008521)

Victorian Clinical Genetics Services, Murdoch Childrens Research Institute
Classification: Pathogenic for Polycystic kidney disease, adult type. Last evaluated: 2022-02-02. Review status: criteria provided, single submitter. Criteria: ACMG Guidelines, 2015. Collection method: clinical testing. Allele origin: germline. Inheritance: Autosomal dominant inheritance. Affected: yes.
Comment: Based on the classification scheme VCGS_Germline_v1.3.4, this variant is classified as Pathogenic. Following criteria are met: 0102 - Loss of function is a known mechanism of disease in this gene and is associated with polycystic kidney disease (MIM#173900). (I) 0107 - This gene is associated with autosomal dominant disease. Polycystic kidney disease 1 (MIM#173900) is predominantly caused by monoallelic variants, with rare reports of biallelic variants causing disease (OMIM). (I) 0201 - Variant is predicted to cause nonsense-mediated decay (NMD) and loss of protein (premature termination codon is located at least 54 nucleotides upstream of the final exon-exon junction). (SP) 0251 - This variant is heterozygous. (I) 0301 - Variant is absent from gnomAD (both v2 and v3). (SP) 0701 - Other NMD predicted variants comparable to the one identified in this case have very strong previous evidence for pathogenicity (ClinVar). (SP) 0803 - This variant has limited previous evidence of pathogenicity in an individual with dominant polycystic kidney disease (PMID: 22008521). (SP) 0905 - No published segregation evidence has been identified for this variant. (I) 1007 - No published functional evidence has been identified for this variant. (I) 1208 - Inheritance information for this variant is not currently available in this individual. (I)

Juno Genomics, Hangzhou Juno Genomics, Inc
Classification: Pathogenic for Polycystic kidney disease, adult type. Review status: criteria provided, single submitter. Criteria: ACMG Guidelines, 2015. Collection method: clinical testing. Allele origin: germline. Affected: yes.
Comment: Absent from controls (or at extremely low frequency if recessive) in Genome Aggregation Database, Exome Sequencing Project, 1000 Genomes Project, or Exome Aggregation Consortium.;Null variant in a gene where loss of function (LOF) is a known mechanism of disease.;The prevalence of the variant in affected individuals is significantly increased compared to the prevalence in controls.;Patient's phenotype or family history is highly specific for a disease with a single genetic etiology.

Literature cited by the submitters: PubMed 22008521 (cited by Victorian Clinical Genetics Services, Murdoch Childrens Research Institute).